The following is an entry in ClinVar:

NM_015338.6(ASXL1):c.3522G>A (p.Lys1174=)

Gene: ASXL1 (ASXL transcriptional regulator 1; plus strand). Cytogenetic location: 20q11.21.
Variant type: single nucleotide variant.
Coding change: c.3522G>A on transcript NM_015338.6 (MANE Select); coding-DNA position 3522, G replaced by A.
Protein change: p.Lys1174=; no amino-acid change (lysine 1174 retained).
Molecular consequence: synonymous variant.
Genome position (GRCh38, 1-based): chr20:32,436,234, G>A. VCF-style: chr20-32436234-G-A. GRCh37 (hg19) VCF-style: chr20-31024037-G-A.
Other names: c.3339G>A, p.Lys1113= (NM_001363734.1).
Identifiers: ClinVar variation 3339567 (VCV003339567.3).

ClinVar aggregate classification (germline): Likely benign. Review status: criteria provided, multiple submitters, no conflicts (2 of 4 stars). 3 submissions from 3 submitters: Likely benign (3). Last evaluated 2025-09-26.

Conditions:
Inborn genetic diseases. Identifiers: MedGen C0950123, MeSH D030342.

gnomAD v4.1: 5 of 1,614,256 alleles (0.00031%); highest among the groups gnomAD compares: Admixed American, 0.0083%; no homozygotes.

Submissions (3):

Labcorp Genetics (formerly Invitae), Labcorp
Classification: Likely benign. Last evaluated: 2025-09-26. Review status: criteria provided, single submitter. Criteria: Invitae Variant Classification Sherloc (09022015). Collection method: clinical testing. Allele origin: germline.

Ambry Genetics
Classification: Likely benign for Inborn genetic diseases. Last evaluated: 2025-02-03. Review status: criteria provided, single submitter. Criteria: Ambry Variant Classification Scheme 2023. Collection method: clinical testing. Allele origin: germline.

Women's Health and Genetics/Laboratory Corporation of America, LabCorp
Classification: Likely benign. Last evaluated: 2024-06-12. Review status: criteria provided, single submitter. Criteria: LabCorp Variant Classification Summary - May 2015. Collection method: clinical testing. Allele origin: germline.
Comment: Variant summary: ASXL1 c.3522G>A alters a conserved nucleotide resulting in a synonymous change. Consensus agreement among computation tools predict no significant impact on normal splicing. However, these predictions have yet to be confirmed by functional studies. The variant allele was found at a frequency of 1.6e-05 in 250962 control chromosomes. The available data on variant occurrences in the general population are insufficient to allow any conclusion about variant significance. To our knowledge, no occurrence of c.3522G>A in individuals affected with Bohring-Opitz Syndrome and no experimental evidence demonstrating its impact on protein function have been reported. No submitters have cited clinical-significance assessments for this variant to ClinVar. Based on the evidence outlined above, the variant was classified as likely benign.

Literature cited by the submitters: PubMed 22489043 (cited by Women's Health and Genetics/Laboratory Corporation of America, LabCorp); PubMed 24442206 (cited by Women's Health and Genetics/Laboratory Corporation of America, LabCorp); PubMed 24458439 (cited by Women's Health and Genetics/Laboratory Corporation of America, LabCorp); PubMed 25652455 (cited by Women's Health and Genetics/Laboratory Corporation of America, LabCorp); PubMed 24695057 (cited by Women's Health and Genetics/Laboratory Corporation of America, LabCorp); PubMed 23018865 (cited by Women's Health and Genetics/Laboratory Corporation of America, LabCorp); PubMed 21881046 (cited by Women's Health and Genetics/Laboratory Corporation of America, LabCorp); PubMed 23619563 (cited by Women's Health and Genetics/Laboratory Corporation of America, LabCorp); PubMed 20880116 (cited by Women's Health and Genetics/Laboratory Corporation of America, LabCorp); PubMed 23690417 (cited by Women's Health and Genetics/Laboratory Corporation of America, LabCorp); PubMed 22031865 (cited by Women's Health and Genetics/Laboratory Corporation of America, LabCorp); PubMed 25596267 (cited by Women's Health and Genetics/Laboratory Corporation of America, LabCorp); PubMed 22058207 (cited by Women's Health and Genetics/Laboratory Corporation of America, LabCorp); PubMed 24496303 (cited by Women's Health and Genetics/Laboratory Corporation of America, LabCorp); PubMed 21576631 (cited by Women's Health and Genetics/Laboratory Corporation of America, LabCorp); PubMed 24255920 (cited by Women's Health and Genetics/Laboratory Corporation of America, LabCorp); PubMed 27895058 (cited by Women's Health and Genetics/Laboratory Corporation of America, LabCorp); PubMed 27276561 (cited by Women's Health and Genetics/Laboratory Corporation of America, LabCorp).